The following is an entry in ClinVar:

ClinVar aggregate classification (germline): Uncertain significance (1 of 4 stars; one submission).

Conditions:
Ehlers-Danlos syndrome, classic type, 1 (EDSCL1). Also called: EHLERS-DANLOS SYNDROME, GRAVIS TYPE; EHLERS-DANLOS SYNDROME, SEVERE CLASSIC TYPE; Ehlers-Danlos syndrome, type 1; Ehlers-Danlos Syndrome, Classic Type, COL5A1-Related; EDS I. Identifiers: MedGen C0268335, MONDO:0019567, OMIM 130000.

Submission:

Labcorp Genetics (formerly Invitae), Labcorp
Classification: Uncertain significance for Ehlers-Danlos syndrome, classic type, 1. Last evaluated: 2023-05-29. Review status: criteria provided, single submitter. Criteria: Invitae Variant Classification Sherloc (09022015). Collection method: clinical testing. Allele origin: germline.
Comment: This sequence change replaces proline, which is neutral and non-polar, with glutamine, which is neutral and polar, at codon 1012 of the COL5A2 protein (p.Pro1012Gln). In summary, the available evidence is currently insufficient to determine the role of this variant in disease. Therefore, it has been classified as a Variant of Uncertain Significance. Advanced modeling of protein sequence and biophysical properties (such as structural, functional, and spatial information, amino acid conservation, physicochemical variation, residue mobility, and thermodynamic stability) performed at Invitae indicates that this missense variant is not expected to disrupt COL5A2 protein function. This variant has not been reported in the literature in individuals affected with COL5A2-related conditions. This variant is not present in population databases (gnomAD no frequency).

NM_000393.5(COL5A2):c.3035C>A (p.Pro1012Gln)

Gene: COL5A2 (collagen type V alpha 2 chain; minus strand). Cytogenetic location: 2q32.2.
Variant type: single nucleotide variant.
Coding change: c.3035C>A on transcript NM_000393.5 (MANE Select); coding-DNA position 3035, C replaced by A.
Protein change: p.Pro1012Gln; replaces proline 1012 with glutamine.
Molecular consequence: missense variant.
Genome position (GRCh38, 1-based): chr2:189,050,573, G>T on the plus strand (C>A on the coding strand, the complement: COL5A2 is on the minus strand). VCF-style: chr2-189050573-G-T. GRCh37 (hg19) VCF-style: chr2-189915299-G-T.
Other names: short protein forms P1012Q.
Identifiers: ClinVar variation 2806870 (VCV002806870.3), dbSNP rs2469252702, ClinGen allele CA349866789.